The following is an entry in ClinVar:

ClinVar aggregate classification (germline): Conflicting classifications of pathogenicity. Review status: criteria provided, conflicting classifications (1 of 4 stars). 2 submissions from 2 submitters: Uncertain significance (1); Likely benign (1). Last evaluated 2022-09-13.

Conditions:
Congenital myotonia, autosomal recessive form. Also called: myotonia congenita, autosomal recessive; BECKER DISEASE; Becker Generalized Myotonia. Identifiers: Orphanet 614, MedGen C0751360, MONDO:0009715, OMIM 255700.
Congenital myotonia, autosomal dominant form (THD). Also called: Myotonia congenita autosomal dominant; THOMSEN DISEASE. Identifiers: Orphanet 614, MedGen C2936781, MONDO:0008055, OMIM 160800.

Allele frequency attached by ClinVar (database versions not stated): gnomAD 0.00001; gnomAD exomes 0.00002.

Submissions (2):

Labcorp Genetics (formerly Invitae), Labcorp
Classification: Uncertain significance for Congenital myotonia, autosomal recessive form; Congenital myotonia, autosomal dominant form. Last evaluated: 2022-09-13. Review status: criteria provided, single submitter. Criteria: Invitae Variant Classification Sherloc (09022015). Collection method: clinical testing. Allele origin: germline.
Comment: This sequence change replaces arginine, which is basic and polar, with tryptophan, which is neutral and slightly polar, at codon 5 of the CLCN1 protein (p.Arg5Trp). This variant is present in population databases (no rsID available, gnomAD 0.006%). This missense change has been observed in individual(s) with myotonia (PMID: 22094069). ClinVar contains an entry for this variant (Variation ID: 513471). Advanced modeling of protein sequence and biophysical properties (such as structural, functional, and spatial information, amino acid conservation, physicochemical variation, residue mobility, and thermodynamic stability) has been performed at Invitae for this missense variant, however the output from this modeling did not meet the statistical confidence thresholds required to predict the impact of this variant on CLCN1 protein function. Experimental studies have shown that this missense change does not substantially affect CLCN1 function (PMID: 22094069). In summary, the available evidence is currently insufficient to determine the role of this variant in disease. Therefore, it has been classified as a Variant of Uncertain Significance.

GeneDx
Classification: Likely benign. Last evaluated: 2017-11-21. Review status: criteria provided, single submitter. Criteria: GeneDx Variant Classification (06012015). Collection method: clinical testing. Allele origin: germline. Affected: yes.
Comment: This variant is considered likely benign or benign based on one or more of the following criteria: it is a conservative change, it occurs at a poorly conserved position in the protein, it is predicted to be benign by multiple in silico algorithms, and/or has population frequency not consistent with disease.

Literature cited by the submitters: PubMed 22094069 (cited by Labcorp Genetics (formerly Invitae), Labcorp).

NM_000083.3(CLCN1):c.13C>T (p.Arg5Trp)

Gene: CLCN1 (chloride voltage-gated channel 1; plus strand). Cytogenetic location: 7q34.
Variant type: single nucleotide variant.
Coding change: c.13C>T on transcript NM_000083.3 (MANE Select); coding-DNA position 13, C replaced by T.
Protein change: p.Arg5Trp; replaces arginine 5 with tryptophan.
Molecular consequence: missense variant. On other transcripts: non-coding transcript variant (1).
Genome position (GRCh38, 1-based): chr7:143,316,225, C>T. VCF-style: chr7-143316225-C-T. GRCh37 (hg19) VCF-style: chr7-143013318-C-T.
Other names: short protein forms R5W.
Identifiers: ClinVar variation 513471 (VCV000513471.6), dbSNP rs1322496244, ClinGen allele CA369676375.
Genomic context (GRCh38, chr7:143,316,225, plus strand): 5'-ACAGGGGCAAGCAGGCCAAGGCCTGGCCGGGGCTCGGGGGGAGGGAATATGGAGCAATCC[C>T]GGTCACAGCAGCGTGGGGGTGAACAAAGCTGGTGGGGTAGTGACCCCCAGTACCAGTATA-3'
Protein context (NP_000074.3, residues 1-15): MEQS[Arg5Trp]SQQRGGEQSW